The following is an entry in ClinVar:

NM_153717.3(EVC):c.1316-220G>A

Gene: EVC (EvC ciliary complex subunit 1; plus strand). Cytogenetic location: 4p16.2.
Variant type: single nucleotide variant.
Coding change: c.1316-220G>A on transcript NM_153717.3 (MANE Select); 220 bases into the intron before coding-DNA position 1316, G replaced by A.
Molecular consequence: intron variant.
Genome position (GRCh38, 1-based): chr4:5,753,565, G>A. VCF-style: chr4-5753565-G-A. GRCh37 (hg19) VCF-style: chr4-5755292-G-A.
Other names: c.1316-220G>A (NM_001306090.2, NM_001306092.2).
Identifiers: ClinVar variation 667838 (VCV000667838.1), dbSNP rs752061, ClinGen allele CA11677332.

ClinVar aggregate classification (germline): Benign (1 of 4 stars; one submission).

Allele frequency attached by ClinVar (database versions not stated): 1000 Genomes Project 30x 0.25422; 1000 Genomes Project 0.25819; gnomAD 0.28374 and 0.28445; TOPMed 0.28651.
gnomAD v4.1: 43,237 of 151,950 alleles (28%); highest among the groups gnomAD compares: Admixed American, 41%; 7,199 homozygotes.

Submission:

GeneDx
Classification: Benign. Last evaluated: 2018-06-14. Review status: criteria provided, single submitter. Criteria: GeneDx Variant Classification (06012015). Collection method: clinical testing. Allele origin: germline. Affected: yes.
Comment: This variant is considered likely benign or benign based on one or more of the following criteria: it is a conservative change, it occurs at a poorly conserved position in the protein, it is predicted to be benign by multiple in silico algorithms, and/or has population frequency not consistent with disease.